The following is an entry in ClinVar:

NM_139242.4(MTFMT):c.253A>T (p.Thr85Ser)

Gene: MTFMT (mitochondrial methionyl-tRNA formyltransferase; minus strand). Cytogenetic location: 15q22.31.
Variant type: single nucleotide variant.
Coding change: c.253A>T on transcript NM_139242.4 (MANE Select); coding-DNA position 253, A replaced by T.
Protein change: p.Thr85Ser; replaces threonine 85 with serine.
Molecular consequence: missense variant.
Genome position (GRCh38, 1-based): chr15:65,026,997, T>A on the plus strand (A>T on the coding strand, the complement: MTFMT is on the minus strand). VCF-style: chr15-65026997-T-A. GRCh37 (hg19) VCF-style: chr15-65319335-T-A.
Other names: short protein forms T85S.
Identifiers: ClinVar variation 2965322 (VCV002965322.3), dbSNP rs752682472, ClinGen allele CA271502978.
Genomic context (GRCh38, chr15:65,026,997, plus strand): 5'-GCTGAGACTGCACAGCATATTGCTTCACTGGCAGTCCTTTTGGTGATGGGGAAGGCATTG[T>A]GACCACCTCCAGTTTGTCGATTAACTCTTCTTCTTTGTTTTCCCTAAATTAGATAGGAAG-3'
Protein context (NP_640335.2, residues 75-95): EELIDKLEVV[Thr85Ser]MPSPSPKGLP

ClinVar aggregate classification (germline): Uncertain significance (1 of 4 stars; one submission).

Allele frequency attached by ClinVar (database versions not stated): gnomAD 0.00001.
gnomAD v4.1: 1 of 1,613,940 alleles (0.000062%); highest among the groups gnomAD compares: Admixed American, 0.0017%; no homozygotes.

Submission:

Labcorp Genetics (formerly Invitae), Labcorp
Classification: Uncertain significance. Last evaluated: 2023-08-06. Review status: criteria provided, single submitter. Criteria: Invitae Variant Classification Sherloc (09022015). Collection method: clinical testing. Allele origin: germline.
Comment: Advanced modeling of protein sequence and biophysical properties (such as structural, functional, and spatial information, amino acid conservation, physicochemical variation, residue mobility, and thermodynamic stability) has been performed at Invitae for this missense variant, however the output from this modeling did not meet the statistical confidence thresholds required to predict the impact of this variant on MTFMT protein function. In summary, the available evidence is currently insufficient to determine the role of this variant in disease. Therefore, it has been classified as a Variant of Uncertain Significance. This variant has not been reported in the literature in individuals affected with MTFMT-related conditions. This sequence change replaces threonine, which is neutral and polar, with serine, which is neutral and polar, at codon 85 of the MTFMT protein (p.Thr85Ser). This variant is not present in population databases (gnomAD no frequency).